The following is an entry in ClinVar:

NM_006648.4(WNK2):c.2023C>G (p.Pro675Ala)

Gene: WNK2 (WNK lysine deficient protein kinase 2; plus strand). Cytogenetic location: 9q22.31.
Variant type: single nucleotide variant.
Coding change: c.2023C>G on transcript NM_006648.4 (MANE Select); coding-DNA position 2023, C replaced by G.
Protein change: p.Pro675Ala; replaces proline 675 with alanine.
Molecular consequence: missense variant.
Genome position (GRCh38, 1-based): chr9:93,253,071, C>G. VCF-style: chr9-93253071-C-G. GRCh37 (hg19) VCF-style: chr9-96015353-C-G.
Other names: c.2023C>G, p.Pro675Ala (NM_001282394.3); short protein forms P675A.
Identifiers: ClinVar variation 3816979 (VCV003816979.1).

ClinVar aggregate classification (germline): Uncertain significance (1 of 4 stars; one submission).

Submission:

Ambry Genetics
Classification: Uncertain significance. Last evaluated: 2025-02-03. Review status: criteria provided, single submitter. Criteria: Ambry Variant Classification Scheme 2023. Collection method: clinical testing. Allele origin: germline.
Comment: The p.P675A variant (also known as c.2023C>G), located in coding exon 8 of the WNK2 gene, results from a C to G substitution at nucleotide position 2023. The proline at codon 675 is replaced by alanine, an amino acid with highly similar properties. This amino acid position is conserved. In addition, this alteration is predicted to be tolerated by in silico analysis. Based on the available evidence, the clinical significance of this variant remains unclear.